The following is an entry in ClinVar:

NM_002485.5(NBN):c.1845+5_1845+8del

Gene: NBN (nibrin; minus strand). Cytogenetic location: 8q21.3.
Variant type: Microsatellite.
Coding change: c.1845+5_1845+8del on transcript NM_002485.5 (MANE Select); bases 5 to 8 of the intron after coding-DNA position 1845, 4 bases deleted (GTAA; older notation c.1845+5_1845+8delGTAA).
Molecular consequence: splice donor variant.
Genome position (GRCh38, 1-based): chr8:89,953,236-89,953,239, TTAC deleted on the plus strand (GTAA on the coding strand, the reverse complement: NBN is on the minus strand); deleting any 4 consecutive bases within chr8:89,953,236-89,953,243 gives the same sequence; the c. name uses the placement nearest the transcript's 3' end. VCF-style (leftmost placement, unchanged base first): chr8-89953235-GTTAC-G. GRCh37 (hg19) VCF-style: chr8-90965463-GTTAC-G.
Other names: c.1845+5_1845+8delGTAA (NM_002485.4); c.1599+5_1599+8del (NM_001024688.3).
Identifiers: ClinVar variation 581506 (VCV000581506.7), dbSNP rs1563524615, ClinGen allele CA891842837.

ClinVar aggregate classification (germline): Uncertain significance. Review status: criteria provided, multiple submitters, no conflicts (2 of 4 stars). 2 submissions from 2 submitters: Uncertain significance (2). Last evaluated 2022-10-16.

Conditions:
Microcephaly, normal intelligence and immunodeficiency (NBS). Also called: Ataxia telangiectasia variant V1; SEEMANOVA SYNDROME II; Immunodeficiency, microcephaly with normal intelligence; Nijmegen breakage syndrome; Microcephaly with normal intelligence immunodeficiency and lymphoreticular malignancies; Nonsyndromal microcephaly autosomal recessive with normal intelligence. Identifiers: Orphanet 647, MedGen C0398791, MONDO:0009623, OMIM 251260.
Aplastic anemia. Identifiers: Orphanet 182040, Orphanet 88, MedGen C0002874, MONDO:0015909, OMIM 609135, HP:0001915.

Submissions (2):

Labcorp Genetics (formerly Invitae), Labcorp
Classification: Uncertain significance for Microcephaly, normal intelligence and immunodeficiency. Last evaluated: 2022-10-16. Review status: criteria provided, single submitter. Criteria: Invitae Variant Classification Sherloc (09022015). Collection method: clinical testing. Allele origin: germline.
Comment: Variants that disrupt the consensus splice site are a relatively common cause of aberrant splicing (PMID: 17576681, 9536098). Algorithms developed to predict the effect of sequence changes on RNA splicing suggest that this variant may disrupt the consensus splice site. ClinVar contains an entry for this variant (Variation ID: 581506). This variant has not been reported in the literature in individuals affected with NBN-related conditions. This variant is not present in population databases (gnomAD no frequency). This sequence change falls in intron 11 of the NBN gene. It does not directly change the encoded amino acid sequence of the NBN protein. It affects a nucleotide within the consensus splice site. In summary, the available evidence is currently insufficient to determine the role of this variant in disease. Therefore, it has been classified as a Variant of Uncertain Significance.

Baylor Genetics
Classification: Uncertain significance for Aplastic anemia. Last evaluated: 2022-06-16. Review status: criteria provided, single submitter. Criteria: ACMG Guidelines, 2015. Collection method: clinical testing. Allele origin: unknown.

Literature cited by the submitters: PubMed 17576681 (cited by Labcorp Genetics (formerly Invitae), Labcorp); PubMed 9536098 (cited by Labcorp Genetics (formerly Invitae), Labcorp).